The following is an entry in ClinVar:

ClinVar aggregate classification (germline): Benign (1 of 4 stars; one submission).

Conditions:
DICER1-related tumor predisposition. Also called: DICER1 syndrome; DICER1-related pleuropulmonary blastoma cancer predisposition syndrome. Identifiers: Orphanet 284343, MedGen C3839822, MONDO:0100216.

Allele frequency attached by ClinVar (database versions not stated): gnomAD below 0.00001 and 0.00013; TOPMed 0.00002; gnomAD exomes 0.00011; 1000 Genomes Project 0.00100; 1000 Genomes Project 30x 0.00125.
gnomAD v4.1: 28 of 231,870 alleles (0.012%); highest among the groups gnomAD compares: South Asian, 0.49%; no homozygotes.

Submission:

Illumina Laboratory Services, Illumina
Classification: Benign for Pleuropulmonary blastoma. Last evaluated: 2018-01-12. Review status: criteria provided, single submitter. Criteria: ICSL Variant Classification Criteria 13 December 2019. Collection method: clinical testing. Allele origin: germline.
Comment: This variant was observed in the ICSL laboratory as part of a predisposition screen in an ostensibly healthy population. It had not been previously curated by ICSL or reported in the Human Gene Mutation Database (HGMD: prior to June 1st, 2018), and was therefore a candidate for classification through an automated scoring system. Utilizing variant allele frequency, disease prevalence and penetrance estimates, and inheritance mode, an automated score was calculated to assess if this variant is too frequent to cause the disease. Based on the score and internal cut-off values, a variant classified as benign is not then subjected to further curation. The score for this variant resulted in a classification of benign for this disease.

NM_177438.3(DICER1):c.*1305A>G

Gene: DICER1 (dicer 1, ribonuclease III; minus strand). Cytogenetic location: 14q32.13.
Variant type: single nucleotide variant.
Coding change: c.*1305A>G on transcript NM_177438.3 (MANE Select); 1305 bases downstream of the stop codon, A replaced by G.
Molecular consequence: 3 prime UTR variant.
Genome position (GRCh38, 1-based): chr14:95,089,193, T>C on the plus strand (A>G on the coding strand, the complement: DICER1 is on the minus strand). VCF-style: chr14-95089193-T-C. GRCh37 (hg19) VCF-style: chr14-95555530-T-C.
Other names: c.*1421A>G (NM_001195573.1); c.*1305A>G (NM_001271282.3, NM_001291628.2, NM_030621.4).
Identifiers: ClinVar variation 885866 (VCV000885866.5), dbSNP rs535340548, ClinGen allele CA265893815.
Genomic context (GRCh38, chr14:95,089,193, plus strand): 5'-ACTGAGGTATTTAAGTGAAGAGTGCCTACAAGTCTAATTAAAGAAACTTAGGCAAATGCC[T>C]AAAGAAGTTTTTTTTTTTTTCCTTTTCCAAAGATGGAAATAATGAGCTAGTTTATCTAAA-3'